The following is an entry in ClinVar:

ClinVar aggregate classification (germline): Uncertain significance. Review status: criteria provided, multiple submitters, no conflicts (2 of 4 stars). 2 submissions from 2 submitters: Uncertain significance (2). Last evaluated 2021-10-19.

Conditions:
Brugada syndrome 3 (BRGDA3). Identifiers: Orphanet 130, MedGen C2678478, MONDO:0012742, OMIM 611875.
Long QT syndrome 8. Identifiers: MedGen CN260585, MONDO:0032756, OMIM 618447.
Timothy syndrome (TS). Also called: LONG QT SYNDROME WITH SYNDACTYLY. Identifiers: Orphanet 65283, MedGen C1832916, MeSH C536962, MONDO:0010979, OMIM 601005.

Allele frequency attached by ClinVar (database versions not stated): TOPMed 0.00002.
gnomAD v4.1: 47 of 1,613,776 alleles (0.0029%); highest among the groups gnomAD compares: South Asian, 0.022%; no homozygotes.

Submissions (2):

Fulgent Genetics
Classification: Uncertain significance for Timothy syndrome; Brugada syndrome 3; Long QT syndrome 8. Last evaluated: 2021-10-19. Review status: criteria provided, single submitter. Criteria: ACMG Guidelines, 2015. Collection method: clinical testing. Allele origin: unknown.

GeneDx
Classification: Uncertain significance. Last evaluated: 2012-05-16. Review status: criteria provided, single submitter. Criteria: GeneDx Variant Classification (06012015). Collection method: clinical testing. Allele origin: germline. Affected: yes.
Comment: p.Pro1323Leu (CCT>CTT): c.3968 C>T in exon 32 in an alternative transcript of the CACNA1C gene (NM_001129829.1). The Pro1323Leu variant in the CACNA1C gene has not been reported previously as a disease-causing mutation or as a benign polymorphism. Pro1323Leu is located in an alternative transcript of the CACNA1C gene and no other mutations have been reported in this transcript. Furthermore, Pro1323Leu is a conservative amino acid substitution of a neutral, non-polar Proline with a neutral, non-polar Leucine. However, the NHLBI ESP Exome Variant Server reports Pro1323Leu was not observed in approximately 5,000 samples from individuals of European and African American backgrounds, indicating it is not a common variant in these populations. In summary, with the clinical and molecular information available at this time, we cannot determine whether the Pro1323Leu variant in the CACNA1C gene is a disease-causing mutation or a benign variant. The variant is found in LQT panel(s).

NM_000719.7(CACNA1C):c.3946-44C>T

Gene: CACNA1C (calcium voltage-gated channel subunit alpha1 C; plus strand). Cytogenetic location: 12p13.33.
Variant type: single nucleotide variant.
Coding change: c.3946-44C>T on transcript NM_000719.7 (MANE Select); 44 bases into the intron before coding-DNA position 3946, C replaced by T.
Molecular consequence: intron variant. On other transcripts: missense variant (1).
Genome position (GRCh38, 1-based): chr12:2,651,596, C>T. VCF-style: chr12-2651596-C-T. GRCh37 (hg19) VCF-style: chr12-2760762-C-T.
Other names: p.P1323L:CCT>CTT; c.3968C>T, p.Pro1323Leu (NM_001129829.2); c.3946-44C>T (NM_001167624.3, NM_001167623.2, NM_001129840.2 and 7 more transcripts); c.3913-44C>T (NM_001167625.2, NM_001129837.2, NM_001129838.2 and 1 more transcripts); c.4090-44C>T (NM_199460.4, NM_001129827.2); c.4006-44C>T (NM_001129832.2); c.4030-44C>T (NM_001129831.2); c.3907-44C>T (NM_001129839.2); and 2 more; short protein forms P1323L.
Identifiers: ClinVar variation 190668 (VCV000190668.3), dbSNP rs760982440, ClinGen allele CA301493.